The following is an entry in ClinVar:

NM_014727.3(KMT2B):c.472A>T (p.Thr158Ser)

Gene: KMT2B (lysine methyltransferase 2B; plus strand). Cytogenetic location: 19q13.12.
Variant type: single nucleotide variant.
Coding change: c.472A>T on transcript NM_014727.3 (MANE Select); coding-DNA position 472, A replaced by T.
Protein change: p.Thr158Ser; replaces threonine 158 with serine.
Molecular consequence: missense variant.
Genome position (GRCh38, 1-based): chr19:35,719,819, A>T. VCF-style: chr19-35719819-A-T. GRCh37 (hg19) VCF-style: chr19-36210721-A-T.
Other names: short protein forms T158S.
Identifiers: ClinVar variation 3373406 (VCV003373406.3).

ClinVar aggregate classification (germline): Uncertain significance. Review status: criteria provided, multiple submitters, no conflicts (2 of 4 stars). 2 submissions from 2 submitters: Uncertain significance (2). Last evaluated 2026-07-01.

Submissions (2):

CeGaT Center for Human Genetics Tuebingen
Classification: Uncertain significance. Last evaluated: 2026-07-01. Review status: criteria provided, single submitter. Criteria: CeGaT Center For Human Genetics Tuebingen Variant Classification Criteria Version 2. Collection method: clinical testing. Allele origin: germline. Affected: yes. Observed: 1 variant allele.
Comment: KMT2B: PM2, BP4

GeneDx
Classification: Uncertain significance. Last evaluated: 2024-02-28. Review status: criteria provided, single submitter. Criteria: GeneDx Variant Classification Process June 2021. Collection method: clinical testing. Allele origin: germline. Affected: yes.
Comment: Not observed at significant frequency in large population cohorts (gnomAD); In silico analysis supports that this missense variant does not alter protein structure/function; Has not been previously published as pathogenic or benign to our knowledge